The following is an entry in ClinVar:

NM_005585.5(SMAD6):c.1463T>G (p.Leu488Arg)

Gene: SMAD6 (SMAD family member 6; plus strand). Cytogenetic location: 15q22.31.
Variant type: single nucleotide variant.
Coding change: c.1463T>G on transcript NM_005585.5 (MANE Select); coding-DNA position 1463, T replaced by G.
Protein change: p.Leu488Arg; replaces leucine 488 with arginine.
Molecular consequence: missense variant. On other transcripts: non-coding transcript variant (1).
Genome position (GRCh38, 1-based): chr15:66,781,507, T>G. VCF-style: chr15-66781507-T-G. GRCh37 (hg19) VCF-style: chr15-67073845-T-G.
Other names: short protein forms L488R.
Identifiers: ClinVar variation 3384563 (VCV003384563.1).
Genomic context (GRCh38, chr15:66,781,507, plus strand): 5'-TCGCCAAGGGCTGGGGGCCCTGCTACTCCCGGCAGTTCATCACCTCCTGCCCCTGCTGGC[T>G]GGAGATCCTCCTCAACAACCCCAGATAGTGGCGGCCCCGGCGGGAGGGGCGGGTGGGAGG-3'
Protein context (NP_005576.3, residues 478-496): RQFITSCPCW[Leu488Arg]EILLNNPR

ClinVar aggregate classification (germline): Uncertain significance (1 of 4 stars; one submission).

gnomAD v4.1: 1 of 1,562,522 alleles (0.000064%); highest among the groups gnomAD compares: Non-Finnish European, 0.000086%; no homozygotes.

Submission:

GeneDx
Classification: Uncertain significance. Last evaluated: 2024-06-06. Review status: criteria provided, single submitter. Criteria: GeneDx Variant Classification Process June 2021. Collection method: clinical testing. Allele origin: germline. Affected: yes.
Comment: Not observed at significant frequency in large population cohorts (gnomAD); In silico analysis supports that this missense variant has a deleterious effect on protein structure/function; Has not been previously published as pathogenic or benign to our knowledge